The following is an entry in ClinVar:

ClinVar aggregate classification (germline): Uncertain significance. Review status: reviewed by expert panel (3 of 4 stars). 2 submissions from 2 submitters: Uncertain significance (1). 1 of the submissions does not count toward it. Last evaluated 2025-05-06.

Conditions:
Hereditary von Willebrand disease. Identifiers: Orphanet 903, MedGen C5703318, MONDO:0019565. Inheritance: Autosomal recessive or Autosomal dominant.
von Willebrand disease type 2M (VWD2M). Identifiers: Orphanet 166090, MedGen C1282974, MONDO:0015630.

gnomAD v4.1: 12 of 1,613,792 alleles (0.00074%); highest among the groups gnomAD compares: East Asian, 0.022%; no homozygotes.

Submissions (2):

ClinGen von Willebrand Disease Variant Curation Expert Panel, ClinGen
Classification: Uncertain significance for von Willebrand disease type 2M. Last evaluated: 2025-05-06. Review status: reviewed by expert panel. Criteria: ClinGen VWD 2A B M Rules. Collection method: curation. Allele origin: germline. Inheritance: Autosomal dominant inheritance.
Comment: The NM_000552.5(VWF):c.4276C>A (p.Arg1426Ser) missense variant has been reported in two VWD patients. At least 1 patient with this variant (PMID: 30046717) displayed excessive mucocutaneous bleeding as well as laboratory phenotypes of a normal multimer pattern, low VWF:RCo/VWF:Ag ratio (0.53), and decreased binding assay (VWF:RCo 9 IU/dl), which together are highly specific for VWD type 2M. (PP4_moderate). The patient (PMID: 30046717) also has the heterozygous variant p.Pro1648fs*45 (de novo; mosaic on paternal allele) which has been reported with a quantitative defect. An additional proband was reported with RCoF 45% and Ratio RCoF/vWF:Ag 0.4 (PS4_supporting; ClinVar SCV002525488.1). In summary, the variant meets the criteria to be classified as a Variant of Uncertain Significance for von Willebrand disease type 2M based on the ACMG/AMP criteria applied, as specified by the ClinGen VWD VCEP: PS4_Supporting, PP4_Moderate.

ISTH-SSC Genomics in Thrombosis and Hemostasis, KU Leuven, Center for Molecular and Vascular Biology
Classification: Likely pathogenic for von Willebrand disorder. Review status: no assertion criteria provided. Collection method: research. Allele origin: unknown. Affected: yes. Not counted in ClinVar's aggregate classification.
Comment: Submitted to GoldVariant by Dr Marie-Christine Morel-Kopp from Northern Blood Research Centre, Sydney, Australia

NM_000552.5(VWF):c.4276C>A (p.Arg1426Ser)

Gene: VWF (von Willebrand factor; minus strand). Cytogenetic location: 12p13.31.
Variant type: single nucleotide variant.
Coding change: c.4276C>A on transcript NM_000552.5 (MANE Select); coding-DNA position 4276, C replaced by A.
Protein change: p.Arg1426Ser; replaces arginine 1426 with serine.
Molecular consequence: missense variant.
Genome position (GRCh38, 1-based): chr12:6,019,142, G>T on the plus strand (C>A on the coding strand, the complement: VWF is on the minus strand). VCF-style: chr12-6019142-G-T. GRCh37 (hg19) VCF-style: chr12-6128308-G-T.
Other names: NM_000552.5(VWF):c.4276C>A; p.Arg1426Ser; short protein forms R1426S.
Identifiers: ClinVar variation 1691250 (VCV001691250.2), dbSNP rs555366738, ClinGen allele CA6402562.
Genomic context (GRCh38, chr12:6,019,142, plus strand): 5'-GCTCATCCACACTGCTCAGCACGAAGGCCTTGTTCTCAGGGGCCTGCTTCTCGATGAGGC[G>T]GATCTGCTTGAGGTTGGCATGGGGCCCAATGCCCACCGGGATCACAATGACCTTCTTCTT-3'
Protein context (NP_000543.3, residues 1416-1436): IGPHANLKQI[Arg1426Ser]LIEKQAPENK